The following is an entry in ClinVar:

ClinVar aggregate classification (germline): Conflicting classifications of pathogenicity. Review status: criteria provided, conflicting classifications (1 of 4 stars). 13 submissions from 11 submitters: Uncertain significance (3); Likely benign (9). 1 of the submissions does not count toward it. Last evaluated 2025-09-09.

Conditions:
MYH7-related disorder. Also called: MYH7-related condition; MYH7-related disease; MYH7-related disorders.
Myosin storage myopathy (CMYO7A). Also called: MYOPATHY WITH LYSIS OF TYPE I MYOFIBRILS; MYOPATHY, HYALINE BODY, AUTOSOMAL DOMINANT; SCAPULOPERONEAL MUSCULAR DYSTROPHY; SCAPULOPERONEAL SYNDROME, MYOPATHIC TYPE; MYH7-related late-onset scapuloperoneal muscular dystrophy; Congenital myopathy 7A, myosin storage, autosomal dominant. Identifiers: Orphanet 437572, Orphanet 636965, MedGen C1842160, MONDO:0008409, OMIM 608358.
Cardiovascular phenotype. Identifiers: MedGen CN230736.
Cardiomyopathy (CMYO). Also called: Cardiomyopathies. Identifiers: Orphanet 167848, MedGen C0878544, MONDO:0004994, HP:0001638. Inheritance: Various modes of inheritance.
MYH7-related skeletal myopathy. Also called: Myopathy, distal, 1; Laing distal myopathy; MYOPATHY, DISTAL, EARLY-ONSET, AUTOSOMAL DOMINANT; MYOPATHY, LATE DISTAL HEREDITARY; Laing early-onset distal myopathy. Identifiers: Orphanet 59135, MedGen C4552004, MONDO:0008050, OMIM 160500.
Hypertrophic cardiomyopathy 1 (CMH1). Also called: Familial hypertrophic cardiomyopathy 1; MYH7-Related Familial Hypertrophic Cardiomyopathy. Identifiers: MedGen C3495498, MONDO:0008647, OMIM 192600.
Hypertrophic cardiomyopathy. Also called: HYPERTROPHIC MYOCARDIOPATHY. Identifiers: Orphanet 217569, MedGen C0007194, MeSH D002312, MONDO:0005045, HP:0001639.

Allele frequency attached by ClinVar (database versions not stated): ExAC 0.00004; gnomAD exomes 0.00006; TOPMed 0.00007; ESP Exome Variant Server 0.00008; gnomAD 0.00008 and 0.00009; 1000 Genomes Project 30x 0.00016; 1000 Genomes Project 0.00020.
gnomAD v4.1: 110 of 1,612,398 alleles (0.0068%); highest among the groups gnomAD compares: South Asian, 0.027%; 1 homozygote.

Submissions (13):

Labcorp Genetics (formerly Invitae), Labcorp
Classification: Likely benign for Hypertrophic cardiomyopathy. Last evaluated: 2025-09-09. Review status: criteria provided, single submitter. Criteria: Invitae Variant Classification Sherloc (09022015). Collection method: clinical testing. Allele origin: germline.

Molecular Diagnostic Laboratory for Inherited Cardiovascular Disease, Montreal Heart Institute
Classification: Likely benign. Last evaluated: 2025-04-09. Review status: criteria provided, single submitter. Criteria: ACMG Guidelines, 2015. Collection method: clinical testing. Allele origin: germline. Affected: no.

Mayo Clinic Laboratories, Mayo Clinic
Classification: Likely benign. Last evaluated: 2025-03-19. Review status: criteria provided, single submitter. Criteria: ACMG Guidelines, 2015. Collection method: clinical testing. Allele origin: germline. Observed: 1 variant allele.
Comment: BS1, BP4, BP7

Blueprint Genetics
Classification: Likely benign. Last evaluated: 2023-03-01. Review status: criteria provided, single submitter. Criteria: ACMG Guidelines, 2015. Collection method: clinical testing. Allele origin: germline.

GeneDx
Classification: Likely benign. Last evaluated: 2020-03-06. Review status: criteria provided, single submitter. Criteria: GeneDx Variant Classification Process June 2021. Collection method: clinical testing. Allele origin: germline. Affected: yes.

Ambry Genetics
Classification: Likely benign for Cardiovascular phenotype. Last evaluated: 2019-10-16. Review status: criteria provided, single submitter. Criteria: Ambry Variant Classification Scheme 2023. Collection method: clinical testing. Allele origin: germline.

Color Diagnostics, LLC DBA Color Health
Classification: Likely benign for Cardiomyopathy. Last evaluated: 2018-10-16. Review status: criteria provided, single submitter. Criteria: ACMG Guidelines, 2015. Collection method: clinical testing. Allele origin: germline.

Illumina Laboratory Services, Illumina
Classification: Uncertain significance for Myosin storage myopathy. Last evaluated: 2018-01-13. Review status: criteria provided, single submitter. Criteria: ICSL Variant Classification Criteria 13 December 2019. Collection method: clinical testing. Allele origin: germline.

Illumina Laboratory Services, Illumina
Classification: Uncertain significance for Hypertrophic cardiomyopathy 1. Last evaluated: 2018-01-13. Review status: criteria provided, single submitter. Criteria: ICSL Variant Classification Criteria 13 December 2019. Collection method: clinical testing. Allele origin: germline.

Illumina Laboratory Services, Illumina
Classification: Likely benign for MYH7-related skeletal myopathy. Last evaluated: 2018-01-13. Review status: criteria provided, single submitter. Criteria: ICSL Variant Classification Criteria 13 December 2019. Collection method: clinical testing. Allele origin: germline.
Comment: This variant was observed in the ICSL laboratory as part of a predisposition screen in an ostensibly healthy population. It had not been previously curated by ICSL or reported in the Human Gene Mutation Database (HGMD: prior to June 1st, 2018), and was therefore a candidate for classification through an automated scoring system. Utilizing variant allele frequency, disease prevalence and penetrance estimates, and inheritance mode, an automated score was calculated to assess if this variant is too frequent to cause the disease. Based on the score and internal cut-off values, a variant classified as likely benign is not then subjected to further curation. The score for this variant resulted in a classification of likely benign for this disease.

CeGaT Center for Human Genetics Tuebingen
Classification: Uncertain significance. Last evaluated: 2017-05-01. Review status: criteria provided, single submitter. Criteria: CeGaT Center For Human Genetics Tuebingen Variant Classification Criteria Version 2. Collection method: clinical testing. Allele origin: germline. Affected: yes. Observed: 1 variant allele.

Laboratory for Molecular Medicine, Mass General Brigham Personalized Medicine
Classification: Likely benign. Last evaluated: 2008-03-01. Review status: criteria provided, single submitter. Criteria: LMM Criteria. Collection method: clinical testing. Allele origin: germline. Observed: 2 variant alleles.

PreventionGenetics, part of Exact Sciences
Classification: Likely benign for MYH7-related condition. Last evaluated: 2023-08-24. Review status: no assertion criteria provided. Collection method: clinical testing. Allele origin: germline. Not counted in ClinVar's aggregate classification.
Comment: This variant is classified as likely benign based on ACMG/AMP sequence variant interpretation guidelines (Richards et al. 2015 PMID: 25741868, with internal and published modifications).

NM_000257.4(MYH7):c.4293C>T (p.Asp1431=)

Genes: MHRT (myosin heavy chain associated RNA transcript; plus strand), MYH7 (myosin heavy chain 7; minus strand). Cytogenetic location: 14q11.2.
Variant type: single nucleotide variant.
Coding change: c.4293C>T on transcript NM_000257.4 (MANE Select); coding-DNA position 4293, C replaced by T.
Protein change: p.Asp1431=; no amino-acid change (aspartic acid 1431 retained).
Molecular consequence: synonymous variant. On other transcripts: non-coding transcript variant (1).
Genome position (GRCh38, 1-based): chr14:23,417,563, G>A on the plus strand (C>T on the coding strand, the complement: MYH7 is on the minus strand). VCF-style: chr14-23417563-G-A. GRCh37 (hg19) VCF-style: chr14-23886772-G-A.
Other names: p.Asp1431=.
Identifiers: ClinVar variation 43007 (VCV000043007.69), dbSNP rs45560242, ClinGen allele CA014782.